The following is an entry in ClinVar:

ClinVar aggregate classification (germline): Uncertain significance (1 of 4 stars; one submission).

gnomAD v4.1: 20 of 1,614,110 alleles (0.0012%); highest among the groups gnomAD compares: Non-Finnish European, 0.0017%; no homozygotes.

Submission:

Labcorp Genetics (formerly Invitae), Labcorp
Classification: Uncertain significance. Last evaluated: 2024-07-31. Review status: criteria provided, single submitter. Criteria: Invitae Variant Classification Sherloc (09022015). Collection method: clinical testing. Allele origin: germline.
Comment: This sequence change replaces leucine, which is neutral and non-polar, with glutamine, which is neutral and polar, at codon 207 of the SIAE protein (p.Leu207Gln). This variant is present in population databases (rs767031684, gnomAD 0.003%). This variant has not been reported in the literature in individuals affected with SIAE-related conditions. An algorithm developed to predict the effect of missense changes on protein structure and function (PolyPhen-2) suggests that this variant is likely to be disruptive. In summary, the available evidence is currently insufficient to determine the role of this variant in disease. Therefore, it has been classified as a Variant of Uncertain Significance.

NM_170601.5(SIAE):c.620T>A (p.Leu207Gln)

Gene: SIAE (sialic acid acetylesterase; minus strand). Cytogenetic location: 11q24.2.
Variant type: single nucleotide variant.
Coding change: c.620T>A on transcript NM_170601.5 (MANE Select); coding-DNA position 620, T replaced by A.
Protein change: p.Leu207Gln; replaces leucine 207 with glutamine.
Molecular consequence: missense variant.
Genome position (GRCh38, 1-based): chr11:124,649,721, A>T on the plus strand (T>A on the coding strand, the complement: SIAE is on the minus strand). VCF-style: chr11-124649721-A-T. GRCh37 (hg19) VCF-style: chr11-124519617-A-T.
Other names: c.515T>A, p.Leu172Gln (NM_001199922.2); short protein forms L207Q, L172Q.
Identifiers: ClinVar variation 3670281 (VCV003670281.2).